The following is an entry in ClinVar:

NM_022437.3(ABCG8):c.1113C>A (p.Asp371Glu)

Gene: ABCG8 (ATP binding cassette subfamily G member 8; plus strand). Cytogenetic location: 2p21.
Variant type: single nucleotide variant.
Coding change: c.1113C>A on transcript NM_022437.3 (MANE Select); coding-DNA position 1113, C replaced by A.
Protein change: p.Asp371Glu; replaces aspartic acid 371 with glutamic acid.
Molecular consequence: missense variant.
Genome position (GRCh38, 1-based): chr2:43,872,124, C>A. VCF-style: chr2-43872124-C-A. GRCh37 (hg19) VCF-style: chr2-44099263-C-A.
Other names: c.1113C>A, p.Asp371Glu (NM_001357321.2); short protein forms D371E.
Identifiers: ClinVar variation 4804430 (VCV004804430.1).

ClinVar aggregate classification (germline): Uncertain significance (1 of 4 stars; one submission).

gnomAD v4.1: 1 of 1,614,124 alleles (0.000062%); highest among the groups gnomAD compares: African/African-American, 0.0013%; no homozygotes.

Submission:

Labcorp Genetics (formerly Invitae), Labcorp
Classification: Uncertain significance. Last evaluated: 2025-02-09. Review status: criteria provided, single submitter. Criteria: Invitae Variant Classification Sherloc (09022015). Collection method: clinical testing. Allele origin: germline.
Comment: This sequence change replaces aspartic acid, which is acidic and polar, with glutamic acid, which is acidic and polar, at codon 371 of the ABCG8 protein (p.Asp371Glu). This variant is present in population databases (no rsID available, gnomAD 0.007%). This variant has not been reported in the literature in individuals affected with ABCG8-related conditions. An algorithm developed to predict the effect of missense changes on protein structure and function (PolyPhen-2) suggests that this variant is likely to be tolerated. In summary, the available evidence is currently insufficient to determine the role of this variant in disease. Therefore, it has been classified as a Variant of Uncertain Significance.